The following is an entry in ClinVar:

NM_005228.5(EGFR):c.2483T>C (p.Leu828Ser)

Gene: EGFR (epidermal growth factor receptor; plus strand). Cytogenetic location: 7p11.2.
Variant type: single nucleotide variant.
Coding change: c.2483T>C on transcript NM_005228.5 (MANE Select); coding-DNA position 2483, T replaced by C.
Protein change: p.Leu828Ser; replaces leucine 828 with serine.
Molecular consequence: missense variant.
Genome position (GRCh38, 1-based): chr7:55,191,732, T>C. VCF-style: chr7-55191732-T-C. GRCh37 (hg19) VCF-style: chr7-55259425-T-C.
Other names: c.2348T>C, p.Leu783Ser (NM_001346897.2, NM_001346899.2); c.2483T>C, p.Leu828Ser (NM_001346898.2); c.2324T>C, p.Leu775Ser (NM_001346900.2); c.1682T>C, p.Leu561Ser (NM_001346941.2); short protein forms L561S, L775S, L783S, L828S.
Identifiers: ClinVar variation 4810437 (VCV004810437.1).

ClinVar aggregate classification (germline): Uncertain significance (1 of 4 stars; one submission).

Conditions:
EGFR-related lung cancer (EGFR). Identifiers: MedGen CN130014.

Submission:

Labcorp Genetics (formerly Invitae), Labcorp
Classification: Uncertain significance for EGFR-related lung cancer. Last evaluated: 2025-07-08. Review status: criteria provided, single submitter. Criteria: Invitae Variant Classification Sherloc (09022015). Collection method: clinical testing. Allele origin: germline.
Comment: This sequence change replaces leucine, which is neutral and non-polar, with serine, which is neutral and polar, at codon 828 of the EGFR protein (p.Leu828Ser). This variant is not present in population databases (gnomAD no frequency). This variant has not been reported in the literature in individuals affected with EGFR-related conditions. Invitae Evidence Modeling of protein sequence and biophysical properties (such as structural, functional, and spatial information, amino acid conservation, physicochemical variation, residue mobility, and thermodynamic stability) indicates that this missense variant is expected to disrupt EGFR protein function with a positive predictive value of 80%. In summary, the available evidence is currently insufficient to determine the role of this variant in disease. Therefore, it has been classified as a Variant of Uncertain Significance.